The following is an entry in ClinVar:

ClinVar aggregate classification (germline): Uncertain significance (1 of 4 stars; one submission).

Allele frequency attached by ClinVar (database versions not stated): gnomAD exomes below 0.00001; ExAC 0.00001.
gnomAD v4.1: 1 of 1,611,610 alleles (0.000062%); highest among the groups gnomAD compares: Non-Finnish European, 0.000085%; no homozygotes.

Submission:

Ambry Genetics
Classification: Uncertain significance. Last evaluated: 2023-02-09. Review status: criteria provided, single submitter. Criteria: Ambry Variant Classification Scheme 2023. Collection method: clinical testing. Allele origin: germline.
Comment: The p.Y180C variant (also known as c.539A>G), located in coding exon 4 of the BUB3 gene, results from an A to G substitution at nucleotide position 539. The tyrosine at codon 180 is replaced by cysteine, an amino acid with highly dissimilar properties. This amino acid position is conserved. In addition, this alteration is predicted to be deleterious by in silico analysis. Since supporting evidence is limited at this time, the clinical significance of this alteration remains unclear.

NM_004725.4(BUB3):c.539A>G (p.Tyr180Cys)

Gene: BUB3 (BUB3 mitotic checkpoint protein; plus strand). Cytogenetic location: 10q26.13.
Variant type: single nucleotide variant.
Coding change: c.539A>G on transcript NM_004725.4 (MANE Select); coding-DNA position 539, A replaced by G.
Protein change: p.Tyr180Cys; replaces tyrosine 180 with cysteine.
Molecular consequence: missense variant.
Genome position (GRCh38, 1-based): chr10:123,160,528, A>G. VCF-style: chr10-123160528-A-G. GRCh37 (hg19) VCF-style: chr10-124920044-A-G.
Other names: c.539A>G, p.Tyr180Cys (NM_001007793.3); short protein forms Y180C.
Identifiers: ClinVar variation 2448143 (VCV002448143.2), dbSNP rs760349560, ClinGen allele CA5731609.
Genomic context (GRCh38, chr10:123,160,528, plus strand): 5'-TGGTGTGGGACTTACGGAACATGGGTTACGTGCAGCAGCGCAGGGAGTCCAGCCTGAAAT[A>G]CCAGACTCGCTGCATACGAGCGTTTCCAAACAAGCAGGTATTGAACTATACCTCCTCTTC-3'
Protein context (NP_004716.1, residues 170-190): VQQRRESSLK[Tyr180Cys]QTRCIRAFPN